The following is an entry in ClinVar:

ClinVar aggregate classification (germline): Uncertain significance. Review status: criteria provided, single submitter (1 of 4 stars). 2 submissions from 2 submitters: Uncertain significance (1). 1 of the submissions does not count toward it. Last evaluated 2022-03-28.

Conditions:
Retinal dystrophy. Also called: Inherited retinal dystrophy. Identifiers: Orphanet 71862, MedGen C0854723, MeSH D058499, MONDO:0019118, HP:0000556.
Retinitis pigmentosa 49 (RP49). Identifiers: Orphanet 791, MedGen C3151059, MONDO:0013405, OMIM 613756.

Submissions (2):

MVZ Medizinische Genetik Mainz
Classification: Uncertain significance for Retinitis pigmentosa 49. Last evaluated: 2022-03-28. Review status: criteria provided, single submitter. Criteria: UK Practice Guidelines For Variant Classification V4 01 2020. Collection method: clinical testing. Allele origin: germline. Inheritance: Autosomal dominant inheritance. Affected: yes. Observed: 1 variant allele.
Comment: ACMG Criteria: PM2_SUP, PP3 (ACMG Version 3)

Institute of Human Genetics, Univ. Regensburg, Univ. Regensburg
Classification: Uncertain significance for Retinal dystrophy. Last evaluated: 2017-01-01. Review status: no assertion criteria provided. Criteria: ACMG Guidelines, 2015. Collection method: clinical testing. Allele origin: germline. Affected: yes. Not counted in ClinVar's aggregate classification.

NM_001379270.1(CNGA1):c.1535T>C (p.Met512Thr)

Genes: CNGA1 (cyclic nucleotide gated channel subunit alpha 1; minus strand), LOC101927157 (uncharacterized LOC101927157; plus strand). Cytogenetic location: 4p12.
Variant type: single nucleotide variant.
Coding change: c.1535T>C on transcript NM_001379270.1 (MANE Select); coding-DNA position 1535, T replaced by C.
Protein change: p.Met512Thr; replaces methionine 512 with threonine.
Molecular consequence: missense variant.
Genome position (GRCh38, 1-based): chr4:47,936,947, A>G on the plus strand (T>C on the coding strand, the complement: CNGA1 is on the minus strand). VCF-style: chr4-47936947-A-G. GRCh37 (hg19) VCF-style: chr4-47938964-A-G.
Other names: c.1535T>C, p.Met512Thr (NM_000087.5, NM_001142564.2); short protein forms M512T.
Identifiers: ClinVar variation 3235165 (VCV003235165.2), dbSNP rs761947277.